The following is an entry in ClinVar:

NM_004237.4(TRIP13):c.1020+4C>G

Gene: TRIP13 (thyroid hormone receptor interactor 13; plus strand). Cytogenetic location: 5p15.33.
Variant type: single nucleotide variant.
Coding change: c.1020+4C>G on transcript NM_004237.4 (MANE Select); 4 bases into the intron after coding-DNA position 1020, C replaced by G.
Molecular consequence: intron variant.
Genome position (GRCh38, 1-based): chr5:912,000, C>G. VCF-style: chr5-912000-C-G. GRCh37 (hg19) VCF-style: chr5-912115-C-G.
Identifiers: ClinVar variation 3717241 (VCV003717241.2).

ClinVar aggregate classification (germline): Uncertain significance (1 of 4 stars; one submission).

Submission:

Labcorp Genetics (formerly Invitae), Labcorp
Classification: Uncertain significance. Last evaluated: 2024-09-15. Review status: criteria provided, single submitter. Criteria: Invitae Variant Classification Sherloc (09022015). Collection method: clinical testing. Allele origin: germline.
Comment: This sequence change falls in intron 10 of the TRIP13 gene. It does not directly change the encoded amino acid sequence of the TRIP13 protein. It affects a nucleotide within the consensus splice site. This variant is not present in population databases (gnomAD no frequency). This variant has not been reported in the literature in individuals affected with TRIP13-related conditions. Variants that disrupt the consensus splice site are a relatively common cause of aberrant splicing (PMID: 17576681, 9536098). Algorithms developed to predict the effect of sequence changes on RNA splicing suggest that this variant is not likely to affect RNA splicing. In summary, the available evidence is currently insufficient to determine the role of this variant in disease. Therefore, it has been classified as a Variant of Uncertain Significance.

Literature cited by the submitters: PubMed 17576681; PubMed 9536098.